The following is an entry in ClinVar:

NM_000199.5(SGSH):c.97G>T (p.Gly33Ter)

Gene: SGSH (N-sulfoglucosamine sulfohydrolase; minus strand). Cytogenetic location: 17q25.3.
Variant type: single nucleotide variant.
Coding change: c.97G>T on transcript NM_000199.5 (MANE Select); coding-DNA position 97, G replaced by T.
Protein change: p.Gly33Ter; replaces glycine 33 with a stop codon.
Molecular consequence: nonsense. On other transcripts: non-coding transcript variant (1).
Genome position (GRCh38, 1-based): chr17:80,217,184, C>A on the plus strand (G>T on the coding strand, the complement: SGSH is on the minus strand). VCF-style: chr17-80217184-C-A. GRCh37 (hg19) VCF-style: chr17-78190983-C-A.
Other names: c.97G>T, p.Gly33Ter (NM_001352921.3, NM_001352922.2); short protein forms G33*.
Identifiers: ClinVar variation 4817912 (VCV004817912.1).

ClinVar aggregate classification (germline): Pathogenic (1 of 4 stars; one submission).

Conditions:
Mucopolysaccharidosis, MPS-III-A (MPS3A). Also called: Mucopolysaccharidosis, type IIIA; mucopolysaccharidosis type 3A; MPS IIIA (Sanfilippo Syndrome Type A); HEPARAN SULFATE SULFATASE DEFICIENCY; SANFILIPPO SYNDROME A; SULFAMIDASE DEFICIENCY. Identifiers: Orphanet 581, Orphanet 79269, MedGen C0086647, MONDO:0009655, OMIM 252900.

Submission:

Natera, Inc.
Classification: Pathogenic for Mucopolysaccharidosis type IIIA. Last evaluated: 2025-07-22. Review status: criteria provided, single submitter. Criteria: Natera Variant Classification Schema (03/2026). Collection method: clinical testing. Allele origin: germline.
Comment: The c.97G>T variant in SGSH is a nonsense variant predicted to introduce a stop codon at amino acid 33. This variant is expected to result in nonsense mediated decay, truncation, or a dysfunctional protein product. This variant is rare in the general population with a frequency below the threshold expected for the associated phenotype(s). This variant has been observed in one or more individuals affected with the associated recessive disease, as either homozygous or compound heterozygous with a second variant (PMID: 35005816). Given the available evidence, this variant is classified as Pathogenic.

Literature cited by the submitters: PubMed 35005816.